The following is an entry in ClinVar:

ClinVar aggregate classification (germline): Uncertain significance (1 of 4 stars; one submission).

Conditions:
Inborn genetic diseases. Identifiers: MedGen C0950123, MeSH D030342.

Submission:

Ambry Genetics
Classification: Uncertain significance for Inborn genetic diseases. Last evaluated: 2026-07-07. Review status: criteria provided, single submitter. Criteria: Ambry Variant Classification Scheme 2023. Collection method: clinical testing. Allele origin: germline.
Comment: The c.2128G>A (p.G710R) alteration is located in exon 11 (coding exon 11) of the HNRNPU gene. This alteration results from a G to A substitution at nucleotide position 2128, causing the glycine (G) at amino acid position 710 to be replaced by an arginine (R). This variant was not reported in population-based cohorts in the Genome Aggregation Database (gnomAD). This amino acid position is highly conserved in available vertebrate species. The in silico prediction for this alteration is inconclusive. Based on insufficient or conflicting evidence, the clinical significance of this alteration remains unclear.

NM_031844.3(HNRNPU):c.2128G>A (p.Gly710Arg)

Gene: HNRNPU (heterogeneous nuclear ribonucleoprotein U; minus strand). Cytogenetic location: 1q44.
Variant type: single nucleotide variant.
Coding change: c.2128G>A on transcript NM_031844.3 (MANE Select); coding-DNA position 2128, G replaced by A.
Protein change: p.Gly710Arg; replaces glycine 710 with arginine.
Molecular consequence: missense variant.
Genome position (GRCh38, 1-based): chr1:244,855,943, C>T on the plus strand (G>A on the coding strand, the complement: HNRNPU is on the minus strand). VCF-style: chr1-244855943-C-T. GRCh37 (hg19) VCF-style: chr1-245019245-C-T.
Other names: c.2071G>A, p.Gly691Arg (NM_004501.3); short protein forms G710R, G691R.
Identifiers: ClinVar variation 3106440 (VCV003106440.2), dbSNP rs2527504023, ClinGen allele CA345487719.